The following is an entry in ClinVar:

ClinVar aggregate classification (germline): Uncertain significance. Review status: criteria provided, multiple submitters, no conflicts (2 of 4 stars). 3 submissions from 3 submitters: Uncertain significance (3). Last evaluated 2026-08-12.

Conditions:
Hereditary cancer-predisposing syndrome. Also called: Tumor predisposition; Hereditary Cancer Syndrome; Hereditary neoplastic syndrome; Neoplastic Syndromes, Hereditary. Identifiers: Orphanet 140162, MedGen C0027672, MeSH D009386, MONDO:0015356.
Tuberous sclerosis 1 (TSC1). Identifiers: Orphanet 805, MedGen C1854465, MONDO:0008612, OMIM 191100.
Tuberous sclerosis syndrome (TSC). Also called: Tuberous Sclerosis Complex; Tuberous sclerosis. Identifiers: Orphanet 805, MedGen C0041341, MONDO:0001734.

Submissions (3):

Ambry Genetics
Classification: Uncertain significance for Hereditary cancer-predisposing syndrome. Last evaluated: 2026-08-12. Review status: criteria provided, single submitter. Criteria: Ambry Variant Classification Scheme 2023. Collection method: clinical testing. Allele origin: germline.
Comment: The p.P311L variant (also known as c.932C>T), located in coding exon 8 of the TSC1 gene, results from a C to T substitution at nucleotide position 932. The proline at codon 311 is replaced by leucine, an amino acid with similar properties. This amino acid position is highly conserved in available vertebrate species. In addition, this alteration is predicted to be deleterious by in silico analysis. Based on the available evidence, the clinical significance of this variant remains unclear.

All of Us Research Program, National Institutes of Health
Classification: Uncertain significance for Tuberous sclerosis syndrome. Last evaluated: 2024-03-05. Review status: criteria provided, single submitter. Criteria: ACMG Guidelines, 2015. Collection method: clinical testing. Allele origin: germline. Inheritance: Autosomal dominant inheritance. Observed: 1 variant allele, 1 heterozygote.
Comment: This study involves interpretation of variants in research participants for the purpose of population health screening. Participant phenotype was not available at the time of variant classification. Additional details can be found in publication PMID: 35346344, PMCID: PMC8962531

Labcorp Genetics (formerly Invitae), Labcorp
Classification: Uncertain significance for Tuberous sclerosis 1. Last evaluated: 2021-07-19. Review status: criteria provided, single submitter. Criteria: Invitae Variant Classification Sherloc (09022015). Collection method: clinical testing. Allele origin: germline.
Comment: In summary, the available evidence is currently insufficient to determine the role of this variant in disease. Therefore, it has been classified as a Variant of Uncertain Significance. Algorithms developed to predict the effect of missense changes on protein structure and function are either unavailable or do not agree on the potential impact of this missense change (SIFT: "Tolerated"; PolyPhen-2: "Probably Damaging"; Align-GVGD: "Class C0"). This variant has not been reported in the literature in individuals with TSC1-related conditions. This variant is not present in population databases (ExAC no frequency). This sequence change replaces proline with leucine at codon 311 of the TSC1 protein (p.Pro311Leu). The proline residue is moderately conserved and there is a moderate physicochemical difference between proline and leucine.

NM_000368.5(TSC1):c.932C>T (p.Pro311Leu)

Gene: TSC1 (TSC complex subunit 1; minus strand). Cytogenetic location: 9q34.13.
Variant type: single nucleotide variant.
Coding change: c.932C>T on transcript NM_000368.5 (MANE Select); coding-DNA position 932, C replaced by T.
Protein change: p.Pro311Leu; replaces proline 311 with leucine.
Molecular consequence: missense variant.
Genome position (GRCh38, 1-based): chr9:132,911,550, G>A on the plus strand (C>T on the coding strand, the complement: TSC1 is on the minus strand). VCF-style: chr9-132911550-G-A. GRCh37 (hg19) VCF-style: chr9-135786937-G-A.
Other names: c.932C>T (NM_000368.4); c.932C>T, p.Pro311Leu (NM_001162426.2); c.779C>T, p.Pro260Leu (NM_001162427.2); c.569C>T, p.Pro190Leu (NM_001362177.2); short protein forms P190L, P260L, P311L.
Identifiers: ClinVar variation 1015369 (VCV001015369.11), dbSNP rs776158460, ClinGen allele CA375368726.